The following is an entry in ClinVar:

ClinVar aggregate classification (germline): Benign (0 of 4 stars; one submission).

Conditions:
NUP88-related disorder. Also called: NUP88-related condition.

Allele frequency attached by ClinVar (database versions not stated): 1000 Genomes Project 0.00799; 1000 Genomes Project 30x 0.00890; TOPMed 0.01356; gnomAD 0.01392; ESP Exome Variant Server 0.01768; gnomAD exomes 0.02088.
gnomAD v4.1: 32,359 of 1,610,764 alleles (2%); highest among the groups gnomAD compares: Non-Finnish European, 2.4%; 394 homozygotes.

Submission:

PreventionGenetics, part of Exact Sciences
Classification: Benign for NUP88-related condition. Last evaluated: 2019-05-24. Review status: no assertion criteria provided. Collection method: clinical testing. Allele origin: germline.
Comment: This variant is classified as benign based on ACMG/AMP sequence variant interpretation guidelines (Richards et al. 2015 PMID: 25741868, with internal and published modifications).

NM_002532.6(NUP88):c.1503G>A (p.Ala501=)

Gene: NUP88 (nucleoporin 88; minus strand). Cytogenetic location: 17p13.2.
Variant type: single nucleotide variant.
Coding change: c.1503G>A on transcript NM_002532.6 (MANE Select); coding-DNA position 1503, G replaced by A.
Protein change: p.Ala501=; no amino-acid change (alanine 501 retained).
Molecular consequence: synonymous variant.
Genome position (GRCh38, 1-based): chr17:5,388,942, C>T on the plus strand (G>A on the coding strand, the complement: NUP88 is on the minus strand). VCF-style: chr17-5388942-C-T. GRCh37 (hg19) VCF-style: chr17-5292262-C-T.
Other names: c.1503G>A, p.Ala501= (NM_001320653.2).
Identifiers: ClinVar variation 3055961 (VCV003055961.2), dbSNP rs61753104, ClinGen allele CA8324229.